The following is an entry in ClinVar:

ClinVar aggregate classification (germline): Uncertain significance (1 of 4 stars; one submission).

Conditions:
Adams-Oliver syndrome 5 (AOS5). Identifiers: Orphanet 974, MedGen C4014970, MONDO:0014459, OMIM 616028.

Submission:

Labcorp Genetics (formerly Invitae), Labcorp
Classification: Uncertain significance for Adams-Oliver syndrome 5. Last evaluated: 2022-10-19. Review status: criteria provided, single submitter. Criteria: Invitae Variant Classification Sherloc (09022015). Collection method: clinical testing. Allele origin: germline.
Comment: This sequence change replaces threonine, which is neutral and polar, with asparagine, which is neutral and polar, at codon 1963 of the NOTCH1 protein (p.Thr1963Asn). This variant is not present in population databases (gnomAD no frequency). This variant has not been reported in the literature in individuals affected with NOTCH1-related conditions. Advanced modeling of protein sequence and biophysical properties (such as structural, functional, and spatial information, amino acid conservation, physicochemical variation, residue mobility, and thermodynamic stability) performed at Invitae indicates that this missense variant is not expected to disrupt NOTCH1 protein function. In summary, the available evidence is currently insufficient to determine the role of this variant in disease. Therefore, it has been classified as a Variant of Uncertain Significance.

NM_017617.5(NOTCH1):c.5888C>A (p.Thr1963Asn)

Gene: NOTCH1 (notch receptor 1; minus strand). Cytogenetic location: 9q34.3.
Variant type: single nucleotide variant.
Coding change: c.5888C>A on transcript NM_017617.5 (MANE Select); coding-DNA position 5888, C replaced by A.
Protein change: p.Thr1963Asn; replaces threonine 1963 with asparagine.
Molecular consequence: missense variant.
Genome position (GRCh38, 1-based): chr9:136,500,598, G>T on the plus strand (C>A on the coding strand, the complement: NOTCH1 is on the minus strand). VCF-style: chr9-136500598-G-T. GRCh37 (hg19) VCF-style: chr9-139395050-G-T.
Other names: short protein forms T1963N.
Identifiers: ClinVar variation 1721883 (VCV001721883.5), dbSNP rs2540427428, ClinGen allele CA375636521.